The following is an entry in ClinVar:

NM_001350451.2(RBFOX3):c.337C>T (p.Pro113Ser)

Gene: RBFOX3 (RNA binding fox-1 homolog 3; minus strand). Cytogenetic location: 17q25.3.
Variant type: single nucleotide variant.
Coding change: c.337C>T on transcript NM_001350451.2 (MANE Select); coding-DNA position 337, C replaced by T.
Protein change: p.Pro113Ser; replaces proline 113 with serine.
Molecular consequence: missense variant.
Genome position (GRCh38, 1-based): chr17:79,106,674, G>A on the plus strand (C>T on the coding strand, the complement: RBFOX3 is on the minus strand). VCF-style: chr17-79106674-G-A. GRCh37 (hg19) VCF-style: chr17-77102756-G-A.
Other names: c.337C>T, p.Pro113Ser (NM_001385814.1, NM_001385815.1, NM_001385816.1 and 36 more transcripts); c.334C>T, p.Pro112Ser (NM_001385822.1, NM_001385823.1, NM_001385806.1 and 4 more transcripts); short protein forms P112S, P113S.
Identifiers: ClinVar variation 3653596 (VCV003653596.2).
Genomic context (GRCh38, chr17:79,106,674, plus strand): 5'-TGTGGAGGGCAGGATGGGTGGGGCCGCGCACACTCACCCCGAACATTTGCCGCAAGTCGG[G>A]GTCCCTGAACCGGAAGGGGATGTTGGAGACGTGTAGCCGCTTGGGCTGCTGCTTCTCTGT-3'
Protein context (NP_001337380.1, residues 103-123): VSNIPFRFRD[Pro113Ser]DLRQMFGQFG

ClinVar aggregate classification (germline): Uncertain significance (1 of 4 stars; one submission).

Conditions:
Idiopathic generalized epilepsy. Also called: EIG; Generalised epilepsy. Identifiers: MedGen C0270850, MONDO:0005579, OMIM 600669.

Submission:

Labcorp Genetics (formerly Invitae), Labcorp
Classification: Uncertain significance for Idiopathic generalized epilepsy. Last evaluated: 2024-05-16. Review status: criteria provided, single submitter. Criteria: Invitae Variant Classification Sherloc (09022015). Collection method: clinical testing. Allele origin: germline.
Comment: This sequence change replaces proline, which is neutral and non-polar, with serine, which is neutral and polar, at codon 113 of the RBFOX3 protein (p.Pro113Ser). This variant is not present in population databases (gnomAD no frequency). This variant has not been reported in the literature in individuals affected with RBFOX3-related conditions. Advanced modeling of protein sequence and biophysical properties (such as structural, functional, and spatial information, amino acid conservation, physicochemical variation, residue mobility, and thermodynamic stability) performed at Invitae indicates that this missense variant is expected to disrupt RBFOX3 protein function with a positive predictive value of 80%. In summary, the available evidence is currently insufficient to determine the role of this variant in disease. Therefore, it has been classified as a Variant of Uncertain Significance.